The following is an entry in ClinVar:

NM_022168.4(IFIH1):c.1766C>T (p.Ala589Val)

Gene: IFIH1 (interferon induced with helicase C domain 1; minus strand). Cytogenetic location: 2q24.2.
Variant type: single nucleotide variant.
Coding change: c.1766C>T on transcript NM_022168.4 (MANE Select); coding-DNA position 1766, C replaced by T.
Protein change: p.Ala589Val; replaces alanine 589 with valine.
Molecular consequence: missense variant.
Genome position (GRCh38, 1-based): chr2:162,277,693, G>A on the plus strand (C>T on the coding strand, the complement: IFIH1 is on the minus strand). VCF-style: chr2-162277693-G-A. GRCh37 (hg19) VCF-style: chr2-163134203-G-A.
Other names: short protein forms A589V.
Identifiers: ClinVar variation 2936733 (VCV002936733.3), dbSNP rs145792185, ClinGen allele CA348999908.
Genomic context (GRCh38, chr2:162,277,693, plus strand): 5'-TCATTGTACTTCCTCAAATGTTCTGCACAAACACGTTCTTTGCGATTTCCTTCTTTTGCA[G>A]CTGTGAAAAAATATATTATGTAAGTGAAATAATAAGCATATAAACCCCCTAAAATTGTGC-3'
Protein context (NP_071451.2, residues 579-599): EQWAIQMEKK[Ala589Val]AKEGNRKERV

ClinVar aggregate classification (germline): Uncertain significance (1 of 4 stars; one submission).

Conditions:
Aicardi-Goutieres syndrome 7 (AGS7). Identifiers: Orphanet 51, MedGen C3888244, MONDO:0014367, OMIM 615846.
Singleton-Merten syndrome 1 (SGMRT1). Also called: Widened medullary cavities of bone, aortic calcification, abnormal dentition, and muscular weakness; Syndrome of widened medullary cavities of the metacarpals and phalanges, aortic calcification and abnormal dentition. Identifiers: Orphanet 85191, MedGen C4225427, MONDO:0024535, OMIM 182250.

gnomAD v4.1: 2 of 1,599,200 alleles (0.00013%); highest among the groups gnomAD compares: Non-Finnish European, 0.00017%; no homozygotes.

Submission:

Labcorp Genetics (formerly Invitae), Labcorp
Classification: Uncertain significance for Aicardi-Goutieres syndrome 7; Singleton-Merten syndrome 1. Last evaluated: 2023-08-04. Review status: criteria provided, single submitter. Criteria: Invitae Variant Classification Sherloc (09022015). Collection method: clinical testing. Allele origin: germline.
Comment: In summary, the available evidence is currently insufficient to determine the role of this variant in disease. Therefore, it has been classified as a Variant of Uncertain Significance. An algorithm developed to predict the effect of missense changes on protein structure and function (PolyPhen-2) suggests that this variant is likely to be disruptive. This variant has not been reported in the literature in individuals affected with IFIH1-related conditions. This variant is present in population databases (no rsID available, gnomAD 0.007%). This sequence change replaces alanine, which is neutral and non-polar, with valine, which is neutral and non-polar, at codon 589 of the IFIH1 protein (p.Ala589Val).